The following is an entry in ClinVar:

ClinVar aggregate classification (germline): Likely benign. Review status: criteria provided, multiple submitters, no conflicts (2 of 4 stars). 2 submissions from 2 submitters: Likely benign (2). Last evaluated 2024-08-20.

Allele frequency attached by ClinVar (database versions not stated): ExAC 0.00003; gnomAD exomes 0.00003; gnomAD 0.00019; 1000 Genomes Project 0.00020; 1000 Genomes Project 30x 0.00031; ESP Exome Variant Server 0.00031.
gnomAD v4.1: 68 of 1,611,144 alleles (0.0042%); highest among the groups gnomAD compares: African/African-American, 0.051%; no homozygotes.

Submissions (2):

Blueprint Genetics
Classification: Likely benign. Last evaluated: 2024-08-20. Review status: criteria provided, single submitter. Criteria: ACMG Guidelines, 2015. Collection method: clinical testing. Allele origin: germline.

CeGaT Center for Human Genetics Tuebingen
Classification: Likely benign. Last evaluated: 2023-03-01. Review status: criteria provided, single submitter. Criteria: CeGaT Center For Human Genetics Tuebingen Variant Classification Criteria Version 2. Collection method: clinical testing. Allele origin: germline. Affected: yes. Observed: 1 variant allele.
Comment: ATAD3A: BP4, BP7

NM_001170535.3(ATAD3A):c.1170C>T (p.Thr390=)

Gene: ATAD3A (ATPase family AAA domain containing 3A; plus strand). Cytogenetic location: 1p36.33.
Variant type: single nucleotide variant.
Coding change: c.1170C>T on transcript NM_001170535.3 (MANE Select); coding-DNA position 1170, C replaced by T.
Protein change: p.Thr390=; no amino-acid change (threonine 390 retained).
Molecular consequence: synonymous variant.
Genome position (GRCh38, 1-based): chr1:1,524,353, C>T. VCF-style: chr1-1524353-C-T. GRCh37 (hg19) VCF-style: chr1-1459733-C-T.
Other names: c.933C>T, p.Thr311= (NM_001170536.3); c.1314C>T, p.Thr438= (NM_018188.5).
Identifiers: ClinVar variation 2638037 (VCV002638037.25), dbSNP rs143187454, ClinGen allele CA526227.
Genomic context (GRCh38, chr1:1,524,353, plus strand): 5'-CATGGACTACGCCATCATGACAGGCGGGGACGTGGCCCCCATGGGGCGGGAAGGCGTGAC[C>T]GCCATGCACAAGCTCTTTGACTGGGCCAATACCAGCCGGCGCGGGTGAGACGTCCCCACA-3'
Protein context (NP_001164006.1, residues 380-400): DVAPMGREGV[Thr390=]AMHKLFDWAN